The following is an entry in ClinVar:

NM_001110556.2(FLNA):c.-116-48T>C

Gene: FLNA (filamin A; minus strand). Cytogenetic location: Xq28.
Variant type: single nucleotide variant.
Coding change: c.-116-48T>C on transcript NM_001110556.2 (MANE Select); 48 bases into the intron before 116 bases upstream of the start codon, T replaced by C.
Molecular consequence: intron variant.
Genome position (GRCh38, 1-based): chrX:154,371,409, A>G on the plus strand (T>C on the coding strand, the complement: FLNA is on the minus strand). VCF-style: chrX-154371409-A-G. GRCh37 (hg19) VCF-style: chrX-153599777-A-G.
Other names: c.-116-48T>C (NM_001456.4).
Identifiers: ClinVar variation 671005 (VCV000671005.2), dbSNP rs141021453, ClinGen allele CA337285606.

ClinVar aggregate classification (germline): Benign. Review status: criteria provided, multiple submitters, no conflicts (2 of 4 stars). 2 submissions from 2 submitters: Benign (2). Last evaluated 2018-06-18.

Allele frequency attached by ClinVar (database versions not stated): gnomAD 0.22631 and 0.23484; TOPMed 0.23535; 1000 Genomes Project 0.29748; 1000 Genomes Project 30x 0.30052.
gnomAD v4.1: 102,885 of 451,328 alleles (23%); highest among the groups gnomAD compares: South Asian, 54%; 8,326 homozygotes.

Submissions (2):

GeneDx
Classification: Benign. Last evaluated: 2018-06-18. Review status: criteria provided, single submitter. Criteria: GeneDx Variant Classification (06012015). Collection method: clinical testing. Allele origin: germline. Affected: yes.
Comment: This variant is considered likely benign or benign based on one or more of the following criteria: it is a conservative change, it occurs at a poorly conserved position in the protein, it is predicted to be benign by multiple in silico algorithms, and/or has population frequency not consistent with disease.

Breakthrough Genomics
Classification: Benign. Review status: criteria provided, single submitter. Criteria: ACMG Guidelines, 2015. Collection method: not provided. Allele origin: germline. Inheritance: X-linked inheritance. Affected: yes.